The following is an entry in ClinVar:

NM_004168.4(SDHA):c.388T>A (p.Ser130Thr)

Gene: SDHA (succinate dehydrogenase complex flavoprotein subunit A; plus strand). Cytogenetic location: 5p15.33.
Variant type: single nucleotide variant.
Coding change: c.388T>A on transcript NM_004168.4 (MANE Select); coding-DNA position 388, T replaced by A.
Protein change: p.Ser130Thr; replaces serine 130 with threonine.
Molecular consequence: missense variant. On other transcripts: intron variant (1).
Genome position (GRCh38, 1-based): chr5:225,494, T>A. VCF-style: chr5-225494-T-A. GRCh37 (hg19) VCF-style: chr5-225609-T-A.
Other names: c.388T>A, p.Ser130Thr (NM_001330758.2); c.313-389T>A (NM_001294332.2); short protein forms S130T.
Identifiers: ClinVar variation 3754184 (VCV003754184.2).

ClinVar aggregate classification (germline): Uncertain significance (1 of 4 stars; one submission).

Conditions:
Mitochondrial complex II deficiency, nuclear type 1. Also called: SUCCINATE CoQ REDUCTASE DEFICIENCY. Identifiers: Orphanet 3208, MedGen C5700310, MONDO:0100294, OMIM 252011.
Pheochromocytoma/paraganglioma syndrome 5. Also called: Paragangliomas 5; SDHA-Related Hereditary Paraganglioma-Pheochromocytoma Syndrome. Identifiers: Orphanet 29072, MedGen C3279992, MONDO:0013602, OMIM 614165.

Submission:

Labcorp Genetics (formerly Invitae), Labcorp
Classification: Uncertain significance for Pheochromocytoma/paraganglioma syndrome 5; Mitochondrial complex II deficiency, nuclear type 1. Last evaluated: 2024-10-03. Review status: criteria provided, single submitter. Criteria: Invitae Variant Classification Sherloc (09022015). Collection method: clinical testing. Allele origin: germline.
Comment: This sequence change replaces serine, which is neutral and polar, with threonine, which is neutral and polar, at codon 130 of the SDHA protein (p.Ser130Thr). This variant is not present in population databases (gnomAD no frequency). This variant has not been reported in the literature in individuals affected with SDHA-related conditions. Invitae Evidence Modeling of protein sequence and biophysical properties (such as structural, functional, and spatial information, amino acid conservation, physicochemical variation, residue mobility, and thermodynamic stability) has been performed for this missense variant. However, the output from this modeling did not meet the statistical confidence thresholds required to predict the impact of this variant on SDHA protein function. In summary, the available evidence is currently insufficient to determine the role of this variant in disease. Therefore, it has been classified as a Variant of Uncertain Significance.